The following is an entry in ClinVar:

NM_025257.3(SLC44A4):c.2059A>G (p.Met687Val)

Gene: SLC44A4 (solute carrier family 44 member 4; minus strand). Cytogenetic location: 6p21.33.
Variant type: single nucleotide variant.
Coding change: c.2059A>G on transcript NM_025257.3 (MANE Select); coding-DNA position 2059, A replaced by G.
Protein change: p.Met687Val; replaces methionine 687 with valine.
Molecular consequence: missense variant.
Genome position (GRCh38, 1-based): chr6:31,863,701, T>C on the plus strand (A>G on the coding strand, the complement: SLC44A4 is on the minus strand). VCF-style: chr6-31863701-T-C. GRCh37 (hg19) VCF-style: chr6-31831478-T-C.
Other names: c.1933A>G, p.Met645Val (NM_001178044.2); c.1831A>G, p.Met611Val (NM_001178045.2); c.2059A>G, p.Met687Val (NM_032794.1); short protein forms M645V, M611V, M687V.
Identifiers: ClinVar variation 2212653 (VCV002212653.7), dbSNP rs150385253, ClinGen allele CA3725154.

ClinVar aggregate classification (germline): Conflicting classifications of pathogenicity. Review status: criteria provided, conflicting classifications (1 of 4 stars). 4 submissions from 4 submitters: Uncertain significance (1); Likely benign (3). Last evaluated 2026-03-11.

Conditions:
SLC44A4-related disorder. Also called: SLC44A4-related condition.

Allele frequency attached by ClinVar (database versions not stated): ExAC 0.00019; gnomAD 0.00044; TOPMed 0.00049; 1000 Genomes Project 0.00060; 1000 Genomes Project 30x 0.00078; ESP Exome Variant Server 0.00083.
gnomAD v4.1: 175 of 1,612,400 alleles (0.011%); highest among the groups gnomAD compares: African/African-American, 0.14%; no homozygotes.

Submissions (4):

Women's Health and Genetics/Laboratory Corporation of America, LabCorp
Classification: Likely benign. Last evaluated: 2026-03-11. Review status: criteria provided, single submitter. Criteria: LabCorp Variant Classification Summary - May 2015. Collection method: clinical testing. Allele origin: germline.
Comment: Variant summary: SLC44A4 c.2059A>G (p.Met687Val) results in a conservative amino acid change in the encoded protein sequence. Algorithms developed to predict the effect of missense changes on protein structure and function are either unavailable or do not agree on the potential impact of this missense change. The variant allele was found at a frequency of 0.00017 in 244810 control chromosomes, predominantly at a frequency of 0.0013 within the African or African-American subpopulation in the gnomAD database. The observed variant frequency within African or African-American control individuals in the gnomAD database exceeds the estimated maximal expected allele frequency for disease-causing variants in SLC44A4. To our knowledge, no occurrence of c.2059A>G in individuals affected with SLC44A4-related conditions and no experimental evidence demonstrating its impact on protein function have been reported. ClinVar contains an entry for this variant (Variation ID: 2212653). Based on the evidence outlined above, the variant was classified as likely benign.

Labcorp Genetics (formerly Invitae), Labcorp
Classification: Likely benign. Last evaluated: 2025-03-18. Review status: criteria provided, single submitter. Criteria: Invitae Variant Classification Sherloc (09022015). Collection method: clinical testing. Allele origin: germline.

PreventionGenetics, part of Exact Sciences
Classification: Likely benign for SLC44A4-related condition. Last evaluated: 2024-11-06. Review status: criteria provided, single submitter. Criteria: ACMG Guidelines, 2015. Collection method: clinical testing. Allele origin: germline.
Comment: This variant is classified as likely benign based on ACMG/AMP sequence variant interpretation guidelines (Richards et al. 2015 PMID: 25741868, with internal and published modifications).

Ambry Genetics
Classification: Uncertain significance. Last evaluated: 2021-08-02. Review status: criteria provided, single submitter. Criteria: Ambry Variant Classification Scheme 2023. Collection method: clinical testing. Allele origin: germline.